The following is an entry in ClinVar:

NM_194277.3(FRMD7):c.977A>G (p.Lys326Arg)

Gene: FRMD7 (FERM domain containing 7; minus strand). Cytogenetic location: Xq26.2.
Variant type: single nucleotide variant.
Coding change: c.977A>G on transcript NM_194277.3 (MANE Select); coding-DNA position 977, A replaced by G.
Protein change: p.Lys326Arg; replaces lysine 326 with arginine.
Molecular consequence: missense variant.
Genome position (GRCh38, 1-based): chrX:132,080,079, T>C on the plus strand (A>G on the coding strand, the complement: FRMD7 is on the minus strand). VCF-style: chrX-132080079-T-C. GRCh37 (hg19) VCF-style: chrX-131214107-T-C.
Other names: c.932A>G, p.Lys311Arg (NM_001306193.2); short protein forms K326R, K311R.
Identifiers: ClinVar variation 2103633 (VCV002103633.4), dbSNP rs1927757050, ClinGen allele CA414680121.
Genomic context (GRCh38, chrX:132,080,079, plus strand): 5'-TCAGAGAGGAGGTCTGGTGAGGACCTGCACTGTCGTTCATGGTACTGAGATGGGTAATGT[T>C]TCCTGAAATCCCCAAGCAGAGAAGTCATTGAAATGACCTTCATGTGAATACCAGGATACA-3'
Protein context (NP_919253.1, residues 316-336): GRLKSLPFER[Lys326Arg]HYPSQYHERQ

ClinVar aggregate classification (germline): Uncertain significance (1 of 4 stars; one submission).

Allele frequency attached by ClinVar (database versions not stated): TOPMed below 0.00001.

Submission:

Labcorp Genetics (formerly Invitae), Labcorp
Classification: Uncertain significance. Last evaluated: 2022-05-11. Review status: criteria provided, single submitter. Criteria: Invitae Variant Classification Sherloc (09022015). Collection method: clinical testing. Allele origin: germline.
Comment: Algorithms developed to predict the effect of missense changes on protein structure and function are either unavailable or do not agree on the potential impact of this missense change (SIFT: "Tolerated"; PolyPhen-2: "Possibly Damaging"; Align-GVGD: "Class C0"). This variant has not been reported in the literature in individuals affected with FRMD7-related conditions. This variant is not present in population databases (gnomAD no frequency). This sequence change replaces lysine, which is basic and polar, with arginine, which is basic and polar, at codon 326 of the FRMD7 protein (p.Lys326Arg). In summary, the available evidence is currently insufficient to determine the role of this variant in disease. Therefore, it has been classified as a Variant of Uncertain Significance.